The following is an entry in ClinVar:

NM_003793.4(CTSF):c.564G>C (p.Lys188Asn)

Gene: CTSF (cathepsin F; minus strand). Cytogenetic location: 11q13.2.
Variant type: single nucleotide variant.
Coding change: c.564G>C on transcript NM_003793.4 (MANE Select); coding-DNA position 564, G replaced by C.
Protein change: p.Lys188Asn; replaces lysine 188 with asparagine.
Molecular consequence: missense variant.
Genome position (GRCh38, 1-based): chr11:66,567,289, C>G on the plus strand (G>C on the coding strand, the complement: CTSF is on the minus strand). VCF-style: chr11-66567289-C-G. GRCh37 (hg19) VCF-style: chr11-66334760-C-G.
Other names: short protein forms K188N.
Identifiers: ClinVar variation 1703447 (VCV001703447.3), dbSNP rs140630766, ClinGen allele CA6125537.
Genomic context (GRCh38, chr11:66,567,289, plus strand): 5'-CAAGGCTGGGTCCTCACCTTCCTTTGACTCATATGTCCGGTTATAGGTAATGACAAAGTT[C>G]TTGAAGATTGAAGCCATCTTCACAGGCAAGTCCTGGATAGGCAGACCAGTCTTTAGGCTG-3'
Protein context (NP_003784.2, residues 178-198): DLPVKMASIF[Lys188Asn]NFVITYNRTY

ClinVar aggregate classification (germline): Uncertain significance (1 of 4 stars; one submission).

Allele frequency attached by ClinVar (database versions not stated): ESP Exome Variant Server 0.00008; gnomAD 0.00005; gnomAD exomes below 0.00001; ExAC 0.00001; TOPMed 0.00006.
gnomAD v4.1: 15 of 1,614,066 alleles (0.00093%); highest among the groups gnomAD compares: African/African-American, 0.019%; no homozygotes.

Submission:

GeneDx
Classification: Uncertain significance. Last evaluated: 2025-05-21. Review status: criteria provided, single submitter. Criteria: GeneDx Variant Classification Process June 2021. Collection method: clinical testing. Allele origin: germline.
Comment: In silico analysis supports that this missense variant has a deleterious effect on protein structure/function; Has not been previously published as pathogenic or benign to our knowledge